The following is an entry in ClinVar:

NM_001349253.2(SCN11A):c.3316G>T (p.Val1106Leu)

Gene: SCN11A (sodium voltage-gated channel alpha subunit 11; minus strand). Cytogenetic location: 3p22.2.
Variant type: single nucleotide variant.
Coding change: c.3316G>T on transcript NM_001349253.2 (MANE Select); coding-DNA position 3316, G replaced by T.
Protein change: p.Val1106Leu; replaces valine 1106 with leucine.
Molecular consequence: missense variant.
Genome position (GRCh38, 1-based): chr3:38,880,027, C>A on the plus strand (G>T on the coding strand, the complement: SCN11A is on the minus strand). VCF-style: chr3-38880027-C-A. GRCh37 (hg19) VCF-style: chr3-38921518-C-A.
Other names: c.3316G>T, p.Val1106Leu (NM_014139.3); short protein forms V1106L.
Identifiers: ClinVar variation 2112454 (VCV002112454.4), dbSNP rs2065282256, ClinGen allele CA352172643.
Genomic context (GRCh38, chr3:38,880,027, plus strand): 5'-CAAGGCAGCACCAGGCACTGGTGAAATACTTTCCAAATCCGAAGGCTACCCATTTTAGTA[C>A]CATCTCCAGGATAAAAATATGTGTAAAAATAATGTCAGTACAATTTAGTAATTCTTGGAT-3'
Protein context (NP_001336182.1, residues 1096-1116): IFTHIFILEM[Val1106Leu]LKWVAFGFGK

ClinVar aggregate classification (germline): Uncertain significance (1 of 4 stars; one submission).

Conditions:
Hereditary sensory and autonomic neuropathy type 7. Also called: Neuropathy, hereditary sensory and autonomic, type VII; HSAN VII. Identifiers: Orphanet 391397, MedGen C3809882, MONDO:0014244, OMIM 615548.
Familial episodic pain syndrome with predominantly lower limb involvement. Also called: Episodic pain syndrome, familial, 3. Identifiers: Orphanet 391384, Orphanet 391392, MedGen C3809899, MONDO:0014247, OMIM 615552.

Submission:

Labcorp Genetics (formerly Invitae), Labcorp
Classification: Uncertain significance for Familial episodic pain syndrome with predominantly lower limb involvement; Hereditary sensory and autonomic neuropathy type 7. Last evaluated: 2022-04-24. Review status: criteria provided, single submitter. Criteria: Invitae Variant Classification Sherloc (09022015). Collection method: clinical testing. Allele origin: germline.
Comment: This sequence change replaces valine, which is neutral and non-polar, with leucine, which is neutral and non-polar, at codon 1106 of the SCN11A protein (p.Val1106Leu). This variant is not present in population databases (gnomAD no frequency). This variant has not been reported in the literature in individuals affected with SCN11A-related conditions. Algorithms developed to predict the effect of missense changes on protein structure and function output the following: SIFT: "Tolerated"; PolyPhen-2: "Benign"; Align-GVGD: "Class C0". The leucine amino acid residue is found in multiple mammalian species, which suggests that this missense change does not adversely affect protein function. In summary, the available evidence is currently insufficient to determine the role of this variant in disease. Therefore, it has been classified as a Variant of Uncertain Significance.